The following is an entry in ClinVar:

NM_007294.4(BRCA1):c.3250C>A (p.Leu1084Ile)

Genes: BRCA1 (BRCA1 DNA repair associated; minus strand), LOC126862571 (BRD4-independent group 4 enhancer GRCh37_chr17:41243136-41244335; plus strand). Cytogenetic location: 17q21.31.
Variant type: single nucleotide variant.
Coding change: c.3250C>A on transcript NM_007294.4 (MANE Select); coding-DNA position 3250, C replaced by A.
Protein change: p.Leu1084Ile; replaces leucine 1084 with isoleucine.
Molecular consequence: missense variant. On other transcripts: intron variant (137).
Genome position (GRCh38, 1-based): chr17:43,092,281, G>T on the plus strand (C>A on the coding strand, the complement: BRCA1 is on the minus strand). VCF-style: chr17-43092281-G-T. GRCh37 (hg19) VCF-style: chr17-41244298-G-T.
Other names: c.3037C>A, p.Leu1013Ile (NM_001407571.1, NM_001407853.1, NM_001407894.1 and 9 more transcripts); c.3250C>A, p.Leu1084Ile (NM_001407581.1, NM_001407582.1, NM_001407583.1 and 30 more transcripts); c.3247C>A, p.Leu1083Ile (NM_001407587.1, NM_001407590.1, NM_001407591.1 and 22 more transcripts); c.3241C>A, p.Leu1081Ile (NM_001407646.1, NM_001407647.1); c.3127C>A, p.Leu1043Ile (NM_001407648.1, NM_001407664.1, NM_001407665.1 and 19 more transcripts); c.3124C>A, p.Leu1042Ile (NM_001407649.1, NM_001407670.1, NM_001407671.1 and 11 more transcripts); c.3172C>A, p.Leu1058Ile (NM_001407653.1, NM_001407654.1, NM_001407655.1 and 4 more transcripts); c.3169C>A, p.Leu1057Ile (NM_001407659.1, NM_001407660.1, NM_001407661.1 and 1 more transcripts); and 41 more; short protein forms L1084I, L1037I, L1036I, L973I, L1014I, L788I, L957I, L996I.
Identifiers: ClinVar variation 245941 (VCV000245941.19), dbSNP rs879254009, ClinGen allele CA10584561.

ClinVar aggregate classification (germline): Conflicting classifications of pathogenicity. Review status: criteria provided, conflicting classifications (1 of 4 stars). 5 submissions from 5 submitters: Uncertain significance (4); Likely benign (1). Last evaluated 2024-05-05.

Conditions:
Hereditary cancer-predisposing syndrome. Also called: Tumor predisposition; Neoplastic Syndromes, Hereditary; Hereditary Cancer Syndrome; Hereditary neoplastic syndrome. Identifiers: Orphanet 140162, MedGen C0027672, MeSH D009386, MONDO:0015356.
Hereditary breast ovarian cancer syndrome. Also called: Hereditary breast and ovarian cancer syndrome; Hereditary breast and ovarian cancer; Hereditary breast and ovarian cancer syndrome (HBOC); Hereditary breast and/or ovarian cancer syndrome; Breast and ovarian cancer; BRCA1- and BRCA2-Associated Hereditary Breast and Ovarian Cancer. Identifiers: Orphanet 145, MedGen C0677776, MeSH D061325, MONDO:0003582. Disease mechanism: loss of function.

Allele frequency attached by ClinVar (database versions not stated): gnomAD exomes below 0.00001; TOPMed below 0.00001; gnomAD 0.00001.
gnomAD v4.1: 7 of 1,613,638 alleles (0.00043%); highest among the groups gnomAD compares: Non-Finnish European, 0.00051%; no homozygotes.

Submissions (5):

Labcorp Genetics (formerly Invitae), Labcorp
Classification: Uncertain significance for Hereditary breast ovarian cancer syndrome. Last evaluated: 2024-05-05. Review status: criteria provided, single submitter. Criteria: Invitae Variant Classification Sherloc (09022015). Collection method: clinical testing. Allele origin: germline.
Comment: This sequence change replaces leucine, which is neutral and non-polar, with isoleucine, which is neutral and non-polar, at codon 1084 of the BRCA1 protein (p.Leu1084Ile). The frequency data for this variant in the population databases is considered unreliable, as metrics indicate poor data quality at this position in the gnomAD database. This variant has not been reported in the literature in individuals affected with BRCA1-related conditions. ClinVar contains an entry for this variant (Variation ID: 245941). Advanced modeling of protein sequence and biophysical properties (such as structural, functional, and spatial information, amino acid conservation, physicochemical variation, residue mobility, and thermodynamic stability) performed at Invitae indicates that this missense variant is not expected to disrupt BRCA1 protein function with a negative predictive value of 95%. In summary, the available evidence is currently insufficient to determine the role of this variant in disease. Therefore, it has been classified as a Variant of Uncertain Significance.

Ambry Genetics
Classification: Uncertain significance for Hereditary cancer-predisposing syndrome. Last evaluated: 2023-09-07. Review status: criteria provided, single submitter. Criteria: Ambry Variant Classification Scheme 2023. Collection method: clinical testing. Allele origin: germline.
Comment: The p.L1084I variant (also known as c.3250C>A), located in coding exon 9 of the BRCA1 gene, results from a C to A substitution at nucleotide position 3250. The leucine at codon 1084 is replaced by isoleucine, an amino acid with highly similar properties. This amino acid position is not well conserved in available vertebrate species. In addition, the in silico prediction for this alteration is inconclusive. Since supporting evidence is limited at this time, the clinical significance of this alteration remains unclear.

University of Washington Department of Laboratory Medicine, University of Washington
Classification: Likely benign for Hereditary cancer-predisposing syndrome. Last evaluated: 2023-03-23. Review status: criteria provided, single submitter. Criteria: Dines et al. (Genet Med. 2020). Collection method: curation. Allele origin: germline.
Comment: Missense variant in a coldspot region where missense variants are very unlikely to be pathogenic (PMID:31911673).

BRCA1 coldspot (exon 11 using historical exon numbering). Reclassification based on statistical prior probability

Color Diagnostics, LLC DBA Color Health
Classification: Uncertain significance for Hereditary cancer-predisposing syndrome. Last evaluated: 2019-08-07. Review status: criteria provided, single submitter. Criteria: ACMG Guidelines, 2015. Collection method: clinical testing. Allele origin: germline.
Comment: This missense variant replaces leucine with isoleucine at codon 1084 of the BRCA1 protein. Computational prediction tools and conservation analyses are inconclusive regarding the impact of this variant on the protein function. Computational splicing tools suggest that this variant may not impact RNA splicing. To our knowledge, functional assays have not been performed for this variant nor has this variant been reported in individuals affected with hereditary cancer in the literature. This variant has been identified in 1/250504 chromosomes in the general population by the Genome Aggregation Database (gnomAD). Available evidence is insufficient to determine the role of this variant in disease conclusively. Therefore, this variant is classified as a Variant of Uncertain Significance.

GeneDx
Classification: Uncertain significance. Last evaluated: 2015-10-15. Review status: criteria provided, single submitter. Criteria: GeneDx Variant Classification (06012015). Collection method: clinical testing. Allele origin: germline. Affected: yes.
Comment: This variant is denoted BRCA1 c.3250C>A at the cDNA level, p.Leu1084Ile (L1084I) at the protein level, and results in the change of a Leucine to an Isoleucine (CTT>ATT). Using alternate nomenclature, this variant would be defined as BRCA1 3369C>A. This variant has not, to our knowledge, been published in the literature as being pathogenic or benign. BRCA1 Leu1084Ile was not observed in approximately 6,500 individuals of European and African American ancestry in the NHLBI Exome Sequencing Project, indicating it is not a common benign variant in these populations. Since Leucine and Isoleucine share similar properties, this is considered a conservative amino acid substitution. BRCA1 Leu1084Ile occurs at a position that is not conserved and is not located in a known functional domain (UniProt). In silico analyses are inconsistent regarding the effect this variant may have on protein structure and function. Based on currently available evidence, it is unclear whether BRCA1 Leu1084Ile is pathogenic or benign. We consider it to be a variant of uncertain significance.